The following is an entry in ClinVar:

ClinVar aggregate classification (germline): Uncertain significance (1 of 4 stars; one submission).

Allele frequency attached by ClinVar (database versions not stated): gnomAD exomes below 0.00001; ExAC 0.00001.
gnomAD v4.1: 2 of 1,614,196 alleles (0.00012%); highest among the groups gnomAD compares: South Asian, 0.0022%; no homozygotes.

Submission:

Labcorp Genetics (formerly Invitae), Labcorp
Classification: Uncertain significance. Last evaluated: 2022-02-10. Review status: criteria provided, single submitter. Criteria: Invitae Variant Classification Sherloc (09022015). Collection method: clinical testing. Allele origin: germline.
Comment: This sequence change replaces valine, which is neutral and non-polar, with isoleucine, which is neutral and non-polar, at codon 292 of the ADIPOR1 protein (p.Val292Ile). In summary, the available evidence is currently insufficient to determine the role of this variant in disease. Therefore, it has been classified as a Variant of Uncertain Significance. Algorithms developed to predict the effect of missense changes on protein structure and function (SIFT, PolyPhen-2, Align-GVGD) all suggest that this variant is likely to be tolerated. This variant has not been reported in the literature in individuals affected with ADIPOR1-related conditions. This variant is present in population databases (rs749903174, gnomAD 0.003%).

NM_015999.6(ADIPOR1):c.874G>A (p.Val292Ile)

Gene: ADIPOR1 (adiponectin receptor 1; minus strand). Cytogenetic location: 1q32.1.
Variant type: single nucleotide variant.
Coding change: c.874G>A on transcript NM_015999.6 (MANE Select); coding-DNA position 874, G replaced by A.
Protein change: p.Val292Ile; replaces valine 292 with isoleucine.
Molecular consequence: missense variant.
Genome position (GRCh38, 1-based): chr1:202,942,150, C>T on the plus strand (G>A on the coding strand, the complement: ADIPOR1 is on the minus strand). VCF-style: chr1-202942150-C-T. GRCh37 (hg19) VCF-style: chr1-202911278-C-T.
Other names: c.874G>A, p.Val292Ile (NM_001127687.1, NM_001290553.2, NM_001290557.1 and 1 more transcripts); short protein forms V292I.
Identifiers: ClinVar variation 2095895 (VCV002095895.4), dbSNP rs749903174, ClinGen allele CA1335864.